The following is an entry in ClinVar:

NM_000057.4(BLM):c.2187del (p.Leu730fs)

Gene: BLM (BLM RecQ like helicase; plus strand). Cytogenetic location: 15q26.1.
Variant type: Deletion.
Coding change: c.2187del on transcript NM_000057.4 (MANE Select); coding-DNA position 2187, one base deleted (C; older notation c.2187delC).
Protein change: p.Leu730fs; shifts the reading frame from leucine 730.
Molecular consequence: frameshift variant.
Genome position (GRCh38, 1-based): chr15:90,765,408, C deleted; the last of 2 consecutive C bases (chr15:90,765,407-90,765,408); deleting either gives the same sequence. VCF-style (leftmost placement, unchanged base first): chr15-90765406-TC-T. GRCh37 (hg19) VCF-style: chr15-91308636-TC-T.
Other names: c.2187del, p.Leu730fs (NM_001287246.2, NM_001287247.2); c.1062del, p.Leu355fs (NM_001287248.2); short protein forms L355fs, L730fs.
Identifiers: ClinVar variation 1878335 (VCV001878335.5), dbSNP rs2505441922, ClinGen allele CA2580090538.

ClinVar aggregate classification (germline): Pathogenic/Likely pathogenic. Review status: criteria provided, multiple submitters, no conflicts (2 of 4 stars). 3 submissions from 3 submitters: Pathogenic (1); Likely pathogenic (2). Last evaluated 2025-11-23.

Conditions:
Bloom syndrome (BLM). Also called: Bloom-Torre-Machacek syndrome. Identifiers: Orphanet 125, MedGen C0005859, MONDO:0008876, OMIM 210900.

Submissions (3):

Natera, Inc.
Classification: Likely pathogenic for Bloom syndrome. Last evaluated: 2025-11-23. Review status: criteria provided, single submitter. Criteria: Natera Variant Classification Schema (03/2026). Collection method: clinical testing. Allele origin: germline.
Comment: The c.2187delC variant in BLM is a frameshift variant predicted to shift the reading frame beginning at codon 730 and leads to a stop codon 8 codons downstream. This variant is expected to result in nonsense mediated decay, truncation, or a dysfunctional protein product. This variant is rare in the general population with a frequency below the threshold expected for the associated phenotype(s). Given the available evidence, this variant is classified as Likely Pathogenic.

Labcorp Genetics (formerly Invitae), Labcorp
Classification: Pathogenic for Bloom syndrome. Last evaluated: 2023-01-26. Review status: criteria provided, single submitter. Criteria: Invitae Variant Classification Sherloc (09022015). Collection method: clinical testing. Allele origin: germline.
Comment: This sequence change creates a premature translational stop signal (p.Leu730Trpfs*8) in the BLM gene. It is expected to result in an absent or disrupted protein product. Loss-of-function variants in BLM are known to be pathogenic (PMID: 17407155). This variant is not present in population databases (gnomAD no frequency). This variant has not been reported in the literature in individuals affected with BLM-related conditions. ClinVar contains an entry for this variant (Variation ID: 1878335). For these reasons, this variant has been classified as Pathogenic.

Women's Health and Genetics/Laboratory Corporation of America, LabCorp
Classification: Likely pathogenic for Bloom syndrome. Last evaluated: 2022-12-19. Review status: criteria provided, single submitter. Criteria: LabCorp Variant Classification Summary - May 2015. Collection method: clinical testing. Allele origin: germline.
Comment: Variant summary: BLM c.2187delC (p.Leu730TrpfsX8) results in a premature termination codon, predicted to cause a truncation of the encoded protein or absence of the protein due to nonsense mediated decay, which are commonly known mechanisms for disease. Truncations downstream of this position have been classified as pathogenic by our laboratory. The variant was absent in 251280 control chromosomes. To our knowledge, no occurrence of c.2187delC in individuals affected with Bloom Syndrome and no experimental evidence demonstrating its impact on protein function have been reported. No clinical diagnostic laboratories have submitted clinical-significance assessments for this variant to ClinVar after 2014. Based on the evidence outlined above, the variant was classified as likely pathogenic.

Literature cited by the submitters: PubMed 17407155 (cited by Labcorp Genetics (formerly Invitae), Labcorp).